The following is an entry in ClinVar:

NM_000152.5(GAA):c.256C>T (p.Pro86Ser)

Gene: GAA (alpha glucosidase; plus strand). Cytogenetic location: 17q25.3.
Variant type: single nucleotide variant.
Coding change: c.256C>T on transcript NM_000152.5 (MANE Select); coding-DNA position 256, C replaced by T.
Protein change: p.Pro86Ser; replaces proline 86 with serine.
Molecular consequence: missense variant.
Genome position (GRCh38, 1-based): chr17:80,104,842, C>T. VCF-style: chr17-80104842-C-T. GRCh37 (hg19) VCF-style: chr17-78078641-C-T.
Other names: c.256C>T, p.Pro86Ser (NM_001079803.3, NM_001079804.3, NM_001406741.1 and 1 more transcripts); short protein forms P86S.
Identifiers: ClinVar variation 3390381 (VCV003390381.1).
Genomic context (GRCh38, chr17:80,104,842, plus strand): 5'-CGGGATGCCCAGGCACACCCCGGCCGTCCCAGAGCAGTGCCCACACAGTGCGACGTCCCC[C>T]CCAACAGCCGCTTCGATTGCGCCCCTGACAAGGCCATCACCCAGGAACAGTGCGAGGCCC-3'
Protein context (NP_000143.2, residues 76-96): RAVPTQCDVP[Pro86Ser]NSRFDCAPDK

ClinVar aggregate classification (germline): Uncertain significance (1 of 4 stars; one submission).

Submission:

GeneDx
Classification: Uncertain significance. Last evaluated: 2024-06-16. Review status: criteria provided, single submitter. Criteria: GeneDx Variant Classification Process June 2021. Collection method: clinical testing. Allele origin: germline. Affected: yes.
Comment: Not observed at significant frequency in large population cohorts (gnomAD); In silico analysis indicates that this missense variant does not alter protein structure/function; Has not been previously published as pathogenic or benign to our knowledge; This variant is associated with the following publications: (PMID: 22253258)